The following is an entry in ClinVar:

NM_018297.4(NGLY1):c.841del (p.His281fs)

Gene: NGLY1 (N-glycanase 1; minus strand). Cytogenetic location: 3p24.2.
Variant type: Deletion.
Coding change: c.841del on transcript NM_018297.4 (MANE Select); coding-DNA position 841, one base deleted (C; older notation c.841delC).
Protein change: p.His281fs; shifts the reading frame from histidine 281.
Molecular consequence: frameshift variant.
Genome position (GRCh38, 1-based): chr3:25,739,617, G deleted on the plus strand (C on the coding strand, the reverse complement: NGLY1 is on the minus strand). VCF-style (leftmost placement, unchanged base first): chr3-25739616-TG-T. GRCh37 (hg19) VCF-style: chr3-25781107-TG-T.
Other names: c.841del, p.His281fs (NM_001145293.2, NM_001145295.2); c.715del, p.His239fs (NM_001145294.2); short protein forms H239fs, H281fs.
Identifiers: ClinVar variation 3673007 (VCV003673007.3).

ClinVar aggregate classification (germline): Pathogenic/Likely pathogenic. Review status: criteria provided, multiple submitters, no conflicts (2 of 4 stars). 2 submissions from 2 submitters: Pathogenic (1); Likely pathogenic (1). Last evaluated 2025-08-22.

Conditions:
Congenital disorder of deglycosylation 1. Also called: NGLY1-Related Congenital Disorder of Deglycosylation; NGLY1-deficiency. Identifiers: Orphanet 404454, MedGen CN306977, MONDO:0800044, OMIM 615273.
Congenital disorder of deglycosylation (CDDG). Identifiers: MedGen C3808991, MONDO:0031376.

Submissions (2):

Variantyx, Inc.
Classification: Likely pathogenic for Congenital disorder of deglycosylation 1. Last evaluated: 2025-08-22. Review status: criteria provided, single submitter. Criteria: Variantyx Assertion Criteria 2022. Collection method: clinical testing. Allele origin: germline. Inheritance: Autosomal recessive inheritance. Affected: no.
Comment: This is a frameshift variant in the NGLY1 gene (OMIM: 610661). Pathogenic variants in this gene have been associated with autosomal recessive congenital disorder of deglycosylation 1. This variant introduces a premature termination codon in exon 5 out of 12 and is expected to result in loss of function, which is a known disease mechanism for NGLY1 in this disorder (PMID: 24651605) (PVS1). This variant has a 0.0004% maximum allele frequency in non-founder control populations (PM2). Based on the current evidence, this variant is classified as likely pathogenic for autosomal recessive congenital disorder of deglycosylation 1.

Labcorp Genetics (formerly Invitae), Labcorp
Classification: Pathogenic for Congenital disorder of deglycosylation. Last evaluated: 2025-01-23. Review status: criteria provided, single submitter. Criteria: Invitae Variant Classification Sherloc (09022015). Collection method: clinical testing. Allele origin: germline.
Comment: This sequence change creates a premature translational stop signal (p.His281Ilefs*43) in the NGLY1 gene. It is expected to result in an absent or disrupted protein product. Loss-of-function variants in NGLY1 are known to be pathogenic (PMID: 24651605). This variant is present in population databases (rs752785850, gnomAD 0.004%). This variant has not been reported in the literature in individuals affected with NGLY1-related conditions. For these reasons, this variant has been classified as Pathogenic.

Literature cited by the submitters: PubMed 24651605 (cited by Variantyx, Inc. and Labcorp Genetics (formerly Invitae), Labcorp).